The following is an entry in ClinVar:

NM_000243.3(MEFV):c.5C>G (p.Ala2Gly)

Gene: MEFV (MEFV innate immunity regulator, pyrin; minus strand). Cytogenetic location: 16p13.3.
Variant type: single nucleotide variant.
Coding change: c.5C>G on transcript NM_000243.3 (MANE Select); coding-DNA position 5, C replaced by G.
Protein change: p.Ala2Gly; replaces alanine 2 with glycine.
Molecular consequence: missense variant.
Genome position (GRCh38, 1-based): chr16:3,256,583, G>C on the plus strand (C>G on the coding strand, the complement: MEFV is on the minus strand). VCF-style: chr16-3256583-G-C. GRCh37 (hg19) VCF-style: chr16-3306583-G-C.
Other names: c.5C>G, p.Ala2Gly (NM_001198536.2); short protein forms A2G.
Identifiers: ClinVar variation 950460 (VCV000950460.13), dbSNP rs200148051, ClinGen allele CA276904651.
Genomic context (GRCh38, chr16:3,256,583, plus strand): 5'-TCGAAGTCATAGGGCACCAGCTCCTCCAGGGTGGACAGCAGATGGTCACTAGGGGTCTTA[G>C]CCATGGTGCTGAGCAGGAGAGGCTCGAGCCAGCTGTCTGGCTTCTGGTAGGAAAAGAAGC-3'
Protein context (NP_000234.1, residues 1-12): M[Ala2Gly]KTPSDHLLST

ClinVar aggregate classification (germline): Uncertain significance. Review status: criteria provided, multiple submitters, no conflicts (2 of 4 stars). 3 submissions from 3 submitters: Uncertain significance (3). Last evaluated 2025-12-19.

Conditions:
Familial Mediterranean fever (FMF). Also called: POLYSEROSITIS, FAMILIAL PAROXYSMAL; POLYSEROSITIS, RECURRENT; Periodic peritonitis; Benign paroxysmal peritonitis. Identifiers: Orphanet 342, MedGen C0031069, MONDO:0018088, OMIM 249100. Disease mechanism: gain of function.
Acute febrile neutrophilic dermatosis (AFND). Also called: Sweet Syndrome; Gomm Button disease. Identifiers: Orphanet 3243, MedGen C0085077, MONDO:0011959, OMIM 608068.
Familial Mediterranean fever, autosomal dominant. Also called: Dominant Familial Mediterranean Fever; FMF, AUTOSOMAL DOMINANT. Identifiers: Orphanet 342, MedGen C1851347, MONDO:0007601, OMIM 134610.
MEFV-related disorder. Also called: MEFV-related disorders; MEFV-related condition.

Allele frequency attached by ClinVar (database versions not stated): gnomAD exomes 0.00001.

Submissions (3):

PreventionGenetics, part of Exact Sciences
Classification: Uncertain significance for MEFV-related condition. Last evaluated: 2025-12-19. Review status: criteria provided, single submitter. Criteria: ACMG Guidelines, 2015. Collection method: clinical testing. Allele origin: germline.
Comment: The MEFV c.5C>G variant is predicted to result in the amino acid substitution p.Ala2Gly. To our knowledge, this variant has not been reported in the literature or in a large population database (gnomAD), indicating this variant is rare. At this time, the clinical significance of this variant is uncertain due to the absence of conclusive functional and genetic evidence.

Fulgent Genetics
Classification: Uncertain significance for Familial Mediterranean fever, autosomal dominant; Familial Mediterranean fever; Acute febrile neutrophilic dermatosis. Last evaluated: 2024-06-12. Review status: criteria provided, single submitter. Criteria: ACMG Guidelines, 2015. Collection method: clinical testing. Allele origin: germline.

Labcorp Genetics (formerly Invitae), Labcorp
Classification: Uncertain significance for Familial Mediterranean fever. Last evaluated: 2019-07-05. Review status: criteria provided, single submitter. Criteria: Invitae Variant Classification Sherloc (09022015). Collection method: clinical testing. Allele origin: germline.
Comment: This sequence change replaces alanine with glycine at codon 2 of the MEFV protein (p.Ala2Gly). The alanine residue is moderately conserved and there is a small physicochemical difference between alanine and glycine. This variant is not present in population databases (ExAC no frequency). This variant has not been reported in the literature in individuals with MEFV-related conditions. Algorithms developed to predict the effect of missense changes on protein structure and function are either unavailable or do not agree on the potential impact of this missense change (SIFT: "Tolerated"; PolyPhen-2: "Probably Damaging"; Align-GVGD: "Class C0"). Algorithms developed to predict the effect of sequence changes on RNA splicing suggest that this variant may create or strengthen a splice site, but this prediction has not been confirmed by published transcriptional studies. In summary, the available evidence is currently insufficient to determine the role of this variant in disease. Therefore, it has been classified as a Variant of Uncertain Significance.